The following is an entry in ClinVar:

NM_006440.5(TXNRD2):c.119A>G (p.Tyr40Cys)

Gene: TXNRD2 (thioredoxin reductase 2; minus strand). Cytogenetic location: 22q11.21.
Variant type: single nucleotide variant.
Coding change: c.119A>G on transcript NM_006440.5 (MANE Select); coding-DNA position 119, A replaced by G.
Protein change: p.Tyr40Cys; replaces tyrosine 40 with cysteine.
Molecular consequence: missense variant. On other transcripts: 5 prime UTR variant (1), non-coding transcript variant (1).
Genome position (GRCh38, 1-based): chr22:19,931,083, T>C on the plus strand (A>G on the coding strand, the complement: TXNRD2 is on the minus strand). VCF-style: chr22-19931083-T-C. GRCh37 (hg19) VCF-style: chr22-19918606-T-C.
Other names: c.119A>G, p.Tyr40Cys (NM_001282512.3); c.116A>G, p.Tyr39Cys (NM_001352300.2); c.29A>G, p.Tyr10Cys (NM_001352301.2); c.-170A>G (NM_001352302.2); c.23A>G, p.Tyr8Cys (NM_001352303.2); short protein forms Y40C, Y8C, Y39C, Y10C.
Identifiers: ClinVar variation 4845043 (VCV004845043.1).
Genomic context (GRCh38, chr22:19,931,083, plus strand): 5'-TACATACCCTCCTTGGCACAAGCCAGGCCACCAGATCCCCCGCCGACCACCAGGAGATCA[T>C]AGTCCCGCTGACCTGCTGAGAGAAGGGATGAGAGGTGGGACGGACTGTCTGTCTGGTTAA-3'
Protein context (NP_006431.2, residues 30-50): ARGAAAGQRD[Tyr40Cys]DLLVVGGGSG

ClinVar aggregate classification (germline): Uncertain significance (1 of 4 stars; one submission).

Conditions:
Cardiovascular phenotype. Identifiers: MedGen CN230736.

gnomAD v4.1: 3 of 1,613,554 alleles (0.00019%); highest among the groups gnomAD compares: Middle Eastern, 0.016%; no homozygotes.

Submission:

Ambry Genetics
Classification: Uncertain significance for Cardiovascular phenotype. Last evaluated: 2026-02-15. Review status: criteria provided, single submitter. Criteria: Ambry Variant Classification Scheme 2023. Collection method: clinical testing. Allele origin: germline.
Comment: The p.Y40C variant (also known as c.119A>G), located in coding exon 2 of the TXNRD2 gene, results from an A to G substitution at nucleotide position 119. The tyrosine at codon 40 is replaced by cysteine, an amino acid with highly dissimilar properties. This amino acid position is conserved. In addition, this alteration is predicted to be tolerated by in silico analysis. Based on the available evidence, the clinical significance of this variant remains unclear.